The following is an entry in ClinVar:

NM_014244.5(ADAMTS2):c.439C>G (p.Arg147Gly)

Gene: ADAMTS2 (ADAM metallopeptidase with thrombospondin type 1 motif 2; minus strand). Cytogenetic location: 5q35.3.
Variant type: single nucleotide variant.
Coding change: c.439C>G on transcript NM_014244.5 (MANE Select); coding-DNA position 439, C replaced by G.
Protein change: p.Arg147Gly; replaces arginine 147 with glycine.
Molecular consequence: missense variant.
Genome position (GRCh38, 1-based): chr5:179,343,862, G>C on the plus strand (C>G on the coding strand, the complement: ADAMTS2 is on the minus strand). VCF-style: chr5-179343862-G-C. GRCh37 (hg19) VCF-style: chr5-178770863-G-C.
Other names: c.439C>G, p.Arg147Gly (NM_021599.4); short protein forms R147G.
Identifiers: ClinVar variation 855745 (VCV000855745.6), dbSNP rs1757854963, ClinGen allele CA362622560.

ClinVar aggregate classification (germline): Uncertain significance (1 of 4 stars; one submission).

Conditions:
Ehlers-Danlos syndrome, dermatosparaxis type. Also called: EDS VIIC; Ehlers-Danlos syndrome, type VII, autosomal recessive; Dermatosparaxis. Identifiers: Orphanet 1901, MedGen C2700425, MONDO:0009161, OMIM 225410.

Allele frequency attached by ClinVar (database versions not stated): gnomAD exomes below 0.00001.
gnomAD v4.1: 2 of 1,598,122 alleles (0.00013%); highest among the groups gnomAD compares: Non-Finnish European, 0.00017%; no homozygotes.

Submission:

Labcorp Genetics (formerly Invitae), Labcorp
Classification: Uncertain significance for Ehlers-Danlos syndrome, dermatosparaxis type. Last evaluated: 2022-11-01. Review status: criteria provided, single submitter. Criteria: Invitae Variant Classification Sherloc (09022015). Collection method: clinical testing. Allele origin: germline.
Comment: This variant is not present in population databases (gnomAD no frequency). This sequence change replaces arginine, which is basic and polar, with glycine, which is neutral and non-polar, at codon 147 of the ADAMTS2 protein (p.Arg147Gly). This variant has not been reported in the literature in individuals affected with ADAMTS2-related conditions. In summary, the available evidence is currently insufficient to determine the role of this variant in disease. Therefore, it has been classified as a Variant of Uncertain Significance. Algorithms developed to predict the effect of missense changes on protein structure and function are either unavailable or do not agree on the potential impact of this missense change (SIFT: "Deleterious"; PolyPhen-2: "Possibly Damaging"; Align-GVGD: "Class C0"). ClinVar contains an entry for this variant (Variation ID: 855745).